The following is an entry in ClinVar:

NM_173598.6(KSR2):c.875C>A (p.Pro292Gln)

Gene: KSR2 (kinase suppressor of ras 2; minus strand). Cytogenetic location: 12q24.23.
Variant type: single nucleotide variant.
Coding change: c.875C>A on transcript NM_173598.6 (MANE Select); coding-DNA position 875, C replaced by A.
Protein change: p.Pro292Gln; replaces proline 292 with glutamine.
Molecular consequence: missense variant.
Genome position (GRCh38, 1-based): chr12:117,761,122, G>T on the plus strand (C>A on the coding strand, the complement: KSR2 is on the minus strand). VCF-style: chr12-117761122-G-T. GRCh37 (hg19) VCF-style: chr12-118198927-G-T.
Other names: short protein forms P292Q.
Identifiers: ClinVar variation 4716222 (VCV004716222.1).

ClinVar aggregate classification (germline): Uncertain significance (1 of 4 stars; one submission).

Submission:

Labcorp Genetics (formerly Invitae), Labcorp
Classification: Uncertain significance. Last evaluated: 2025-05-16. Review status: criteria provided, single submitter. Criteria: Invitae Variant Classification Sherloc (09022015). Collection method: clinical testing. Allele origin: germline.
Comment: This sequence change replaces proline, which is neutral and non-polar, with glutamine, which is neutral and polar, at codon 263 of the KSR2 protein (p.Pro263Gln). This variant is not present in population databases (gnomAD no frequency). This variant has not been reported in the literature in individuals affected with KSR2-related conditions. An algorithm developed to predict the effect of missense changes on protein structure and function (PolyPhen-2) suggests that this variant is likely to be disruptive. In summary, the available evidence is currently insufficient to determine the role of this variant in disease. Therefore, it has been classified as a Variant of Uncertain Significance.